The following is an entry in ClinVar:

NM_001080517.3(SETD5):c.550A>G (p.Lys184Glu)

Gene: SETD5 (SET domain containing 5; plus strand). Cytogenetic location: 3p25.3.
Variant type: single nucleotide variant.
Coding change: c.550A>G on transcript NM_001080517.3 (MANE Select); coding-DNA position 550, A replaced by G.
Protein change: p.Lys184Glu; replaces lysine 184 with glutamic acid.
Molecular consequence: missense variant.
Genome position (GRCh38, 1-based): chr3:9,435,889, A>G. VCF-style: chr3-9435889-A-G. GRCh37 (hg19) VCF-style: chr3-9477573-A-G.
Other names: c.217A>G, p.Lys73Glu (NM_001292043.2, NM_001349451.2); short protein forms K184E, K73E.
Identifiers: ClinVar variation 1707791 (VCV001707791.2), dbSNP rs2472493650, ClinGen allele CA351684600.
Genomic context (GRCh38, chr3:9,435,889, plus strand): 5'-GTTAGAAGAACCAAACCCAAGAAGCGGAAAAAGAGTCCAGAAAAGGGTCGTGCAGCACCA[A>G]AGACGAAGAAAATCAAGGTATGCAGGGTAAAAATATCTTAAATAGAAATTGTCTGAAATA-3'
Protein context (NP_001073986.1, residues 174-194): KSPEKGRAAP[Lys184Glu]TKKIKNSPSE

ClinVar aggregate classification (germline): Uncertain significance (1 of 4 stars; one submission).

Submission:

GeneDx
Classification: Uncertain significance. Last evaluated: 2022-03-31. Review status: criteria provided, single submitter. Criteria: GeneDx Variant Classification Process June 2021. Collection method: clinical testing. Allele origin: germline. Affected: yes.
Comment: Not observed at significant frequency in large population cohorts (gnomAD); In silico analysis supports that this missense variant has a deleterious effect on protein structure/function; Has not been previously published as pathogenic or benign to our knowledge